The following is an entry in ClinVar:

ClinVar aggregate classification (germline): Likely pathogenic. Review status: criteria provided, single submitter (1 of 4 stars). 2 submissions from 2 submitters: Likely pathogenic (1). 1 of the submissions does not count toward it. Last evaluated 2025-06-01.

Conditions:
Autosomal dominant nonsyndromic hearing loss. Also called: Rare autosomal dominant non-syndromic sensorineural deafness type DFNA. Identifiers: Orphanet 90635, MedGen C5779548, MONDO:0019587.

Submissions (2):

CeGaT Center for Human Genetics Tuebingen
Classification: Likely pathogenic. Last evaluated: 2025-06-01. Review status: criteria provided, single submitter. Criteria: CeGaT Center For Human Genetics Tuebingen Variant Classification Criteria Version 2. Collection method: clinical testing. Allele origin: germline. Affected: yes. Observed: 1 variant allele.
Comment: PLS1: PP1:Strong, PM2, PVS1:Supporting

Medical Research Center, Fujian Maternity and Child Health Hospital
Classification: Pathogenic for Autosomal dominant nonsyndromic hearing loss. Last evaluated: 2020-10-12. Review status: no assertion criteria provided. Collection method: clinical testing. Allele origin: germline. Inheritance: Autosomal dominant inheritance. Affected: yes. Observed: 12 variant alleles, 12 heterozygotes. Clinical features observed: Hearing impairment (HP:0000365). Not counted in ClinVar's aggregate classification.
Comment: This variant affects the canonical splice donor site of intron 8 (c.981+1G>A). Minigene assays confirmed that the variant abolishes normal splicing and causes complete skipping of exon 8. The variant fully segregates with autosomal dominant nonsyndromic hearing loss in a three-generation family. Previous literature (PMID: 36537221) also reported this variant as pathogenic. Functional analysis using zebrafish models demonstrates abnormal hair-cell morphology and auditory defects consistent with loss of PLS1 function. Overall evidence supports a pathogenic classification.

Literature cited by the submitters: PubMed 36537221 (cited by Medical Research Center, Fujian Maternity and Child Health Hospital).

NM_001145319.2(PLS1):c.981+1G>A

Gene: PLS1 (plastin 1; plus strand). Cytogenetic location: 3q23.
Variant type: single nucleotide variant.
Coding change: c.981+1G>A on transcript NM_001145319.2 (MANE Select); the canonical splice donor site of the intron after coding-DNA position 981, G replaced by A.
Molecular consequence: splice donor variant.
Genome position (GRCh38, 1-based): chr3:142,686,377, G>A. VCF-style: chr3-142686377-G-A. GRCh37 (hg19) VCF-style: chr3-142405219-G-A.
Other names: c.981+1G>A (NM_002670.3, NM_001172312.2, NM_001172312.1).
Identifiers: ClinVar variation 4084990 (VCV004084990.8).